The following is an entry in ClinVar:

ClinVar aggregate classification (germline): Likely benign. Review status: criteria provided, single submitter (1 of 4 stars). 2 submissions from 2 submitters: Likely benign (1). 1 of the submissions does not count toward it. Last evaluated 2025-02-10.

Conditions:
MFSD2A-related disorder. Also called: MFSD2A-related condition.

Allele frequency attached by ClinVar (database versions not stated): ExAC 0.00002; gnomAD exomes 0.00002; ESP Exome Variant Server 0.00015; gnomAD 0.00015; TOPMed 0.00019.
gnomAD v4.1: 48 of 1,613,898 alleles (0.003%); highest among the groups gnomAD compares: African/African-American, 0.056%; 1 homozygote.

Submissions (2):

Labcorp Genetics (formerly Invitae), Labcorp
Classification: Likely benign. Last evaluated: 2025-02-10. Review status: criteria provided, single submitter. Criteria: Invitae Variant Classification Sherloc (09022015). Collection method: clinical testing. Allele origin: germline.

PreventionGenetics, part of Exact Sciences
Classification: Likely benign for MFSD2A-related condition. Last evaluated: 2023-11-29. Review status: no assertion criteria provided. Collection method: clinical testing. Allele origin: germline. Not counted in ClinVar's aggregate classification.
Comment: This variant is classified as likely benign based on ACMG/AMP sequence variant interpretation guidelines (Richards et al. 2015 PMID: 25741868, with internal and published modifications).

NM_032793.5(MFSD2A):c.1149T>C (p.Ile383=)

Gene: MFSD2A (MFSD2 lysolipid transporter A, lysophospholipid; plus strand). Cytogenetic location: 1p34.2.
Variant type: single nucleotide variant.
Coding change: c.1149T>C on transcript NM_032793.5 (MANE Select); coding-DNA position 1149, T replaced by C.
Protein change: p.Ile383=; no amino-acid change (isoleucine 383 retained).
Molecular consequence: synonymous variant.
Genome position (GRCh38, 1-based): chr1:39,967,857, T>C. VCF-style: chr1-39967857-T-C. GRCh37 (hg19) VCF-style: chr1-40433529-T-C.
Other names: c.1188T>C (NM_001136493.2); c.1188T>C, p.Ile396= (NM_001136493.3); c.681T>C, p.Ile227= (NM_001287808.2); c.1032T>C, p.Ile344= (NM_001287809.2); c.1143T>C, p.Ile381= (NM_001349821.2); c.1065T>C, p.Ile355= (NM_001349822.2); c.804T>C, p.Ile268= (NM_001349823.2).
Identifiers: ClinVar variation 2170251 (VCV002170251.6), dbSNP rs144105297, ClinGen allele CA788911.
Genomic context (GRCh38, chr1:39,967,857, plus strand): 5'-TCCCTAGTCAGCAGTGCCATTTCTCATCTTGGTGGCCCTCATGGAGAGTAACCTCATCAT[T>C]ACATATGCGGTAGCTGTGGCAGCTGGCATCAGTGTGGCAGCTGCCTTCTTACTACCCTGG-3'
Protein context (NP_116182.2, residues 373-393): LVALMESNLI[Ile383=]TYAVAVAAGI